The following is an entry in ClinVar:

ClinVar aggregate classification (germline): Conflicting classifications of pathogenicity. Review status: criteria provided, conflicting classifications (1 of 4 stars). 4 submissions from 3 submitters: Uncertain significance (2); Likely benign (1). 1 of the submissions does not count toward it. Last evaluated 2024-02-02.

Conditions:
Nephronophthisis. Also called: Juvenile Nephronophthisis. Identifiers: Orphanet 655, MedGen C0687120, MONDO:0019005, HP:0000090.
Senior-Loken syndrome 4 (SLSN4). Identifiers: Orphanet 3156, MedGen C1846979, MONDO:0011756, OMIM 606996.
Nephronophthisis 4 (NPHP4). Also called: NEPHRONOPHTHISIS 4, JUVENILE. Identifiers: Orphanet 655, MedGen C1847013, MONDO:0011752, OMIM 606966.
NPHP4-related disorder. Also called: NPHP4-related disorders; NPHP4-related condition. Identifiers: MedGen CN239384.

Allele frequency attached by ClinVar (database versions not stated): gnomAD 0.00001; gnomAD exomes 0.00001; TOPMed 0.00001.
gnomAD v4.1: 6 of 1,613,862 alleles (0.00037%); highest among the groups gnomAD compares: South Asian, 0.0022%; no homozygotes.

Submissions (4):

Labcorp Genetics (formerly Invitae), Labcorp
Classification: Likely benign for Nephronophthisis. Last evaluated: 2024-02-02. Review status: criteria provided, single submitter. Criteria: Invitae Variant Classification Sherloc (09022015). Collection method: clinical testing. Allele origin: germline.

Illumina Laboratory Services, Illumina
Classification: Uncertain significance for Nephronophthisis 4. Last evaluated: 2018-01-13. Review status: criteria provided, single submitter. Criteria: ICSL Variant Classification Criteria 13 December 2019. Collection method: clinical testing. Allele origin: germline.

Illumina Laboratory Services, Illumina
Classification: Uncertain significance for Senior-Loken syndrome 4. Last evaluated: 2018-01-13. Review status: criteria provided, single submitter. Criteria: ICSL Variant Classification Criteria 13 December 2019. Collection method: clinical testing. Allele origin: germline.

PreventionGenetics, part of Exact Sciences
Classification: Likely benign for NPHP4-related condition. Last evaluated: 2024-08-13. Review status: no assertion criteria provided. Collection method: clinical testing. Allele origin: germline. Not counted in ClinVar's aggregate classification.
Comment: This variant is classified as likely benign based on ACMG/AMP sequence variant interpretation guidelines (Richards et al. 2015 PMID: 25741868, with internal and published modifications).

NM_015102.5(NPHP4):c.1065G>A (p.Ala355=)

Gene: NPHP4 (nephrocystin 4; minus strand). Cytogenetic location: 1p36.31.
Variant type: single nucleotide variant.
Coding change: c.1065G>A on transcript NM_015102.5 (MANE Select); coding-DNA position 1065, G replaced by A.
Protein change: p.Ala355=; no amino-acid change (alanine 355 retained).
Molecular consequence: synonymous variant. On other transcripts: 5 prime UTR variant (2), non-coding transcript variant (1).
Genome position (GRCh38, 1-based): chr1:5,947,158, C>T on the plus strand (G>A on the coding strand, the complement: NPHP4 is on the minus strand). VCF-style: chr1-5947158-C-T. GRCh37 (hg19) VCF-style: chr1-6007218-C-T.
Other names: c.-302G>A (NM_001291593.2, NM_001291594.2); c.1065G>A (NM_015102.4).
Identifiers: ClinVar variation 297826 (VCV000297826.12), dbSNP rs562484051, ClinGen allele CA10610219.